The following is an entry in ClinVar:

NM_020549.5(CHAT):c.435G>A (p.Thr145=)

Gene: CHAT (choline O-acetyltransferase; plus strand). Cytogenetic location: 10q11.23.
Variant type: single nucleotide variant.
Coding change: c.435G>A on transcript NM_020549.5 (MANE Select); coding-DNA position 435, G replaced by A.
Protein change: p.Thr145=; no amino-acid change (threonine 145 retained).
Molecular consequence: synonymous variant.
Genome position (GRCh38, 1-based): chr10:49,619,772, G>A. VCF-style: chr10-49619772-G-A. GRCh37 (hg19) VCF-style: chr10-50827818-G-A.
Other names: c.81G>A, p.Thr27= (NM_001142929.2, NM_001142934.2, NM_020984.4 and 2 more transcripts); c.189G>A, p.Thr63= (NM_001142933.2).
Identifiers: ClinVar variation 1080516 (VCV001080516.32), dbSNP rs77296560, ClinGen allele CA5497145.

ClinVar aggregate classification (germline): Likely benign. Review status: criteria provided, multiple submitters, no conflicts (2 of 4 stars). 2 submissions from 2 submitters: Likely benign (2). Last evaluated 2026-01-01.

Conditions:
Familial infantile myasthenia (CMS6). Also called: MYASTHENIC SYNDROME, CONGENITAL, 6, PRESYNAPTIC; MYASTHENIC SYNDROME, PRESYNAPTIC, CONGENITAL, ASSOCIATED WITH EPISODIC APNEA; Congenital myasthenic syndrome type 6. Identifiers: Orphanet 590, MedGen C0393929, MONDO:0009689, OMIM 254210.

Allele frequency attached by ClinVar (database versions not stated): ExAC 0.00003; gnomAD exomes 0.00005; ESP Exome Variant Server 0.00008; gnomAD 0.00010; TOPMed 0.00011.
gnomAD v4.1: 238 of 1,613,780 alleles (0.015%); highest among the groups gnomAD compares: Non-Finnish European, 0.018%; no homozygotes.

Submissions (2):

Labcorp Genetics (formerly Invitae), Labcorp
Classification: Likely benign for Familial infantile myasthenia. Last evaluated: 2026-01-01. Review status: criteria provided, single submitter. Criteria: Invitae Variant Classification Sherloc (09022015). Collection method: clinical testing. Allele origin: germline.

CeGaT Center for Human Genetics Tuebingen
Classification: Likely benign. Last evaluated: 2022-12-01. Review status: criteria provided, single submitter. Criteria: CeGaT Center For Human Genetics Tuebingen Variant Classification Criteria Version 2. Collection method: clinical testing. Allele origin: germline. Affected: yes. Observed: 1 variant allele.
Comment: CHAT: BP4, BP7